The following is an entry in ClinVar:

NM_053013.4(ENO3):c.865+8G>A

Gene: ENO3 (enolase 3; plus strand). Cytogenetic location: 17p13.2.
Variant type: single nucleotide variant.
Coding change: c.865+8G>A on transcript NM_053013.4 (MANE Select); 8 bases into the intron after coding-DNA position 865, G replaced by A.
Molecular consequence: intron variant.
Genome position (GRCh38, 1-based): chr17:4,955,612, G>A. VCF-style: chr17-4955612-G-A. GRCh37 (hg19) VCF-style: chr17-4858907-G-A.
Other names: c.865+8G>A (NM_053013.3, NM_001976.5, NM_001374523.1); c.892+8G>A (NM_001374524.1); c.736+8G>A (NM_001193503.2).
Identifiers: ClinVar variation 1907837 (VCV001907837.7), dbSNP rs370699915, ClinGen allele CA8316456.
Genomic context (GRCh38, chr17:4,955,612, plus strand): 5'-CACTGGGGAGAAGCTCGGAGAGCTGTATAAGAGCTTTATCAAGAACTATCCTGGTGAGGC[G>A]TTCGGGTGTCCCAGTGTTCCTGCCCGAATCCCGTGCAGCTGCCTAATATACTGATTTCAG-3'

ClinVar aggregate classification (germline): Likely benign. Review status: criteria provided, single submitter (1 of 4 stars). 2 submissions from 2 submitters: Likely benign (1). 1 of the submissions does not count toward it. Last evaluated 2024-02-07.

Conditions:
ENO3-related disorder. Also called: ENO3-related condition.
Glycogen storage disease due to muscle beta-enolase deficiency (GSD13). Also called: ENOLASE 3 DEFICIENCY; ENOLASE-BETA DEFICIENCY; GSD XIII; Glycogen Storage Disease Type XIII. Identifiers: Orphanet 99849, MedGen C2752027, MONDO:0013046, OMIM 612932.

Allele frequency attached by ClinVar (database versions not stated): gnomAD exomes below 0.00001; TOPMed below 0.00001; ExAC 0.00001; gnomAD 0.00001; 1000 Genomes Project 30x 0.00016; 1000 Genomes Project 0.00020.
gnomAD v4.1: 9 of 1,614,216 alleles (0.00056%); highest among the groups gnomAD compares: Admixed American, 0.0033%; no homozygotes.

Submissions (2):

Labcorp Genetics (formerly Invitae), Labcorp
Classification: Likely benign for Glycogen storage disease due to muscle beta-enolase deficiency. Last evaluated: 2024-02-07. Review status: criteria provided, single submitter. Criteria: Invitae Variant Classification Sherloc (09022015). Collection method: clinical testing. Allele origin: germline.

PreventionGenetics, part of Exact Sciences
Classification: Likely benign for ENO3-related condition. Last evaluated: 2021-04-07. Review status: no assertion criteria provided. Collection method: clinical testing. Allele origin: germline. Not counted in ClinVar's aggregate classification.
Comment: This variant is classified as likely benign based on ACMG/AMP sequence variant interpretation guidelines (Richards et al. 2015 PMID: 25741868, with internal and published modifications).